The following is an entry in ClinVar:

NM_000085.5(CLCNKB):c.490G>T (p.Gly164Trp)

Genes: CLCNKB (chloride voltage-gated channel Kb; plus strand), LOC106501713 (CLCNKB recombination region; plus strand). Cytogenetic location: 1p36.13.
Variant type: single nucleotide variant.
Coding change: c.490G>T on transcript NM_000085.5 (MANE Select); coding-DNA position 490, G replaced by T.
Protein change: p.Gly164Trp; replaces glycine 164 with tryptophan.
Molecular consequence: missense variant.
Genome position (GRCh38, 1-based): chr1:16,048,036, G>T. VCF-style: chr1-16048036-G-T. GRCh37 (hg19) VCF-style: chr1-16374531-G-T.
Other names: short protein forms G164W.
Identifiers: ClinVar variation 3383988 (VCV003383988.1).

ClinVar aggregate classification (germline): Likely pathogenic (1 of 4 stars; one submission).

Conditions:
Bartter syndrome. Identifiers: Orphanet 112, MedGen C0004775, MONDO:0015231.

Submission:

Dubai Health Genomic Medicine Center, Dubai Health
Classification: Likely pathogenic for Bartter syndrome. Last evaluated: 2024-10-04. Review status: criteria provided, single submitter. Criteria: ACMG Guidelines, 2015. Collection method: research. Allele origin: germline. Affected: yes.
Comment: PP1,PM3(moderate),PM2,PP3